The following is an entry in ClinVar:

ClinVar aggregate classification (germline): Uncertain significance. Review status: criteria provided, single submitter (1 of 4 stars). 2 submissions from 2 submitters: Uncertain significance (1). 1 of the submissions does not count toward it. Last evaluated 2021-09-01.

Conditions:
Pontocerebellar hypoplasia type 1A (PCH1A). Also called: PONTOCEREBELLAR HYPOPLASIA WITH ANTERIOR HORN CELL DISEASE; PONTOCEREBELLAR HYPOPLASIA WITH INFANTILE SPINAL MUSCULAR ATROPHY. Identifiers: Orphanet 2254, Orphanet 88616, MedGen C1843504, MONDO:0011866, OMIM 607596.

Allele frequency attached by ClinVar (database versions not stated): TOPMed 0.00001; gnomAD 0.00003 and 0.00004; gnomAD exomes 0.00004 and 0.00007; ExAC 0.00006.
gnomAD v4.1: 99 of 1,613,492 alleles (0.0061%); highest among the groups gnomAD compares: Non-Finnish European, 0.0083%; no homozygotes.

Submissions (2):

Labcorp Genetics (formerly Invitae), Labcorp
Classification: Uncertain significance for Pontocerebellar hypoplasia type 1A. Last evaluated: 2021-09-01. Review status: criteria provided, single submitter. Criteria: Invitae Variant Classification Sherloc (09022015). Collection method: clinical testing. Allele origin: germline.
Comment: This sequence change replaces tyrosine with cysteine at codon 187 of the VRK1 protein (p.Tyr187Cys). The tyrosine residue is moderately conserved and there is a large physicochemical difference between tyrosine and cysteine. This variant is present in population databases (rs769507445, ExAC 0.01%). This variant has not been reported in the literature in individuals affected with VRK1-related conditions. Algorithms developed to predict the effect of missense changes on protein structure and function output the following: SIFT: "Deleterious"; PolyPhen-2: "Benign"; Align-GVGD: "Class C0". The cysteine amino acid residue is found in multiple mammalian species, which suggests that this missense change does not adversely affect protein function. In summary, the available evidence is currently insufficient to determine the role of this variant in disease. Therefore, it has been classified as a Variant of Uncertain Significance.

Natera, Inc.
Classification: Uncertain significance for Pontocerebellar hypoplasia, type 1a. Last evaluated: 2020-10-05. Review status: no assertion criteria provided. Collection method: clinical testing. Allele origin: germline. Not counted in ClinVar's aggregate classification.

NM_003384.3(VRK1):c.560A>G (p.Tyr187Cys)

Gene: VRK1 (VRK serine/threonine kinase 1; plus strand). Cytogenetic location: 14q32.2.
Variant type: single nucleotide variant.
Coding change: c.560A>G on transcript NM_003384.3 (MANE Select); coding-DNA position 560, A replaced by G.
Protein change: p.Tyr187Cys; replaces tyrosine 187 with cysteine.
Molecular consequence: missense variant.
Genome position (GRCh38, 1-based): chr14:96,853,150, A>G. VCF-style: chr14-96853150-A-G. GRCh37 (hg19) VCF-style: chr14-97319487-A-G.
Other names: short protein forms Y187C.
Identifiers: ClinVar variation 856859 (VCV000856859.6), dbSNP rs769507445, ClinGen allele CA7339010.